The following is an entry in ClinVar:

ClinVar aggregate classification (germline): Benign/Likely benign. Review status: criteria provided, multiple submitters, no conflicts (2 of 4 stars). 4 submissions from 4 submitters: Benign (2); Likely benign (2). Last evaluated 2025-09-10.

Conditions:
Developmental and epileptic encephalopathy, 7 (DEE7). Also called: Early infantile epileptic encephalopathy 7; KCNQ2-Related Neonatal Epileptic Encephalopathy; KCNQ2-Related Neonatal-Onset Developmental and Epileptic Encephalopathy (NEO-DEE). Identifiers: Orphanet 439218, MedGen C3150986, MONDO:0013387, OMIM 613720.

Submissions (4):

Genomic Medicine Center of Excellence, King Faisal Specialist Hospital and Research Centre
Classification: Benign for Developmental and epileptic encephalopathy, 7. Last evaluated: 2025-09-10. Review status: criteria provided, single submitter. Criteria: ACMG Guidelines, 2015. Collection method: clinical testing. Allele origin: germline.

Mayo Clinic Laboratories, Mayo Clinic
Classification: Likely benign. Last evaluated: 2025-02-25. Review status: criteria provided, single submitter. Criteria: ACMG Guidelines, 2015. Collection method: clinical testing. Allele origin: germline. Observed: 9 variant alleles.
Comment: BP4, BP7

Laboratory of Genetics, Children's Clinical University Hospital Latvia
Classification: Benign. Last evaluated: 2025-02-16. Review status: criteria provided, single submitter. Criteria: ACMG Guidelines, 2015. Collection method: clinical testing. Allele origin: germline. Affected: yes.

Blueprint Genetics
Classification: Likely benign. Last evaluated: 2024-11-26. Review status: criteria provided, single submitter. Criteria: ACMG Guidelines, 2015. Collection method: clinical testing. Allele origin: germline.

NM_002184.4(IL6ST):c.1841-4dup

Gene: IL6ST (interleukin 6 cytokine family signal transducer; minus strand). Cytogenetic location: 5q11.2.
Variant type: Duplication.
Coding change: c.1841-4dup on transcript NM_002184.4 (MANE Select); 4 bases into the intron before coding-DNA position 1841, one base duplicated (T; older notation c.1841-4dupT).
Molecular consequence: intron variant.
Genome position (GRCh38, 1-based): chr5:55,947,593, A duplicated on the plus strand (T on the coding strand, the reverse complement: IL6ST is on the minus strand); the first of 25 consecutive A bases (chr5:55,947,593-55,947,617); duplicating any one gives the same sequence. VCF-style (leftmost placement, unchanged base first): chr5-55947592-T-TA. GRCh37 (hg19) VCF-style: chr5-55243420-T-TA.
Other names: p.?; c.1631-4dup (NM_001364276.2); c.845-4dup (NM_001364279.2); c.938-4dup (NM_001364278.2); c.974-4dup (NM_001364277.2); c.*768-4dup (NM_175767.3); c.1658-4dup (NM_001190981.2); c.1739-4dup (NM_001364275.2).
Identifiers: ClinVar variation 3910459 (VCV003910459.4).
Genomic context (GRCh38, chr5:55,947,592, plus strand): 5'-GTTGTCAATAGGAATGCTAAGCAAACAGGCACGACTATGGCTTCAATTTCTCCTTGAGCT[T>TA]AAAAAAAAAAAAAAAAAAAAAAAAAGAGGTGTGATGGGAAATAATGTTGACATATGAACT-3'